The following is an entry in ClinVar:

NM_002303.6(LEPR):c.1893A>G (p.Thr631=)

Gene: LEPR (leptin receptor; plus strand). Cytogenetic location: 1p31.3.
Variant type: single nucleotide variant.
Coding change: c.1893A>G on transcript NM_002303.6 (MANE Select); coding-DNA position 1893, A replaced by G.
Protein change: p.Thr631=; no amino-acid change (threonine 631 retained).
Molecular consequence: synonymous variant.
Genome position (GRCh38, 1-based): chr1:65,610,087, A>G. VCF-style: chr1-65610087-A-G. GRCh37 (hg19) VCF-style: chr1-66075770-A-G.
Other names: c.1893A>G, p.Thr631= (NM_001003679.3, NM_001003680.3, NM_001198687.2 and 2 more transcripts).
Identifiers: ClinVar variation 3355262 (VCV003355262.1).

ClinVar aggregate classification (germline): Likely benign (0 of 4 stars; one submission).

Conditions:
LEPR-related disorder. Also called: LEPR-related condition; LEPR-related disorders.

gnomAD v4.1: 7 of 1,614,108 alleles (0.00043%); highest among the groups gnomAD compares: Admixed American, 0.0033%; no homozygotes.

Submission:

PreventionGenetics, part of Exact Sciences
Classification: Likely benign for LEPR-related condition. Last evaluated: 2021-09-01. Review status: no assertion criteria provided. Collection method: clinical testing. Allele origin: germline.
Comment: This variant is classified as likely benign based on ACMG/AMP sequence variant interpretation guidelines (Richards et al. 2015 PMID: 25741868, with internal and published modifications).